The following is an entry in ClinVar:

NM_000519.4(HBD):c.332T>C (p.Leu111Pro)

Gene: HBD (hemoglobin subunit delta; minus strand). Cytogenetic location: 11p15.4.
Variant type: single nucleotide variant.
Coding change: c.332T>C on transcript NM_000519.4 (MANE Select); coding-DNA position 332, T replaced by C.
Protein change: p.Leu111Pro; replaces leucine 111 with proline.
Molecular consequence: missense variant.
Genome position (GRCh38, 1-based): chr11:5,233,076, A>G on the plus strand (T>C on the coding strand, the complement: HBD is on the minus strand). VCF-style: chr11-5233076-A-G. GRCh37 (hg19) VCF-style: chr11-5254306-A-G.
Other names: short protein forms L111P.
Identifiers: ClinVar variation 2775429 (VCV002775429.2), dbSNP rs759832815, ClinGen allele CA5839903.
Genomic context (GRCh38, chr11:5,233,076, plus strand): 5'-TAGGCAGCCTGCATTTGTGGGGTGAATTCCTTGCCAAAGTTGCGGGCCAGCACACACACC[A>G]GCACATTGCCCAAGAGCTGCGGAGAAGAGGTAGGCAGATACATGCATATGGTTAACAGAG-3'
Protein context (NP_000510.1, residues 101-121): PENFRLLGNV[Leu111Pro]VCVLARNFGK

ClinVar aggregate classification (germline): Uncertain significance (1 of 4 stars; one submission).

Conditions:
Thalassemia. Identifiers: MedGen C0039730, MONDO:0000984.

Allele frequency attached by ClinVar (database versions not stated): gnomAD exomes below 0.00001; ExAC 0.00001.
gnomAD v4.1: 2 of 1,614,064 alleles (0.00012%); highest among the groups gnomAD compares: African/African-American, 0.0013%; no homozygotes.

Submission:

MVZ Dr. Eberhard & Partner Dortmund
Classification: Uncertain significance for Thalassemia. Last evaluated: 2023-01-23. Review status: criteria provided, single submitter. Criteria: ACMG Guidelines, 2015. Collection method: clinical testing. Allele origin: unknown. Observed: 1 heterozygote.
Comment: This variant was absent from variant databases and only found in 1 of 121292 alleles in ExAC. Computational evidence supports a rather deleterious effect on the gene or gene product (REVEL score 0,72 but discrepant predictions for splicing effects).